The following is an entry in ClinVar:

NM_025137.4(SPG11):c.6618_6619del (p.Ile2207fs)

Gene: SPG11 (SPG11 vesicle trafficking associated, spatacsin; minus strand). Cytogenetic location: 15q21.1.
Variant type: Deletion.
Coding change: c.6618_6619del on transcript NM_025137.4 (MANE Select); coding-DNA positions 6618 to 6619, 2 bases deleted (CA; older notation c.6618_6619delCA).
Protein change: p.Ile2207fs; shifts the reading frame from isoleucine 2207.
Molecular consequence: frameshift variant.
Genome position (GRCh38, 1-based): chr15:44,567,559-44,567,560, TG deleted on the plus strand (CA on the coding strand, the reverse complement: SPG11 is on the minus strand); deleting any 2 consecutive bases within chr15:44,567,559-44,567,561 gives the same sequence; the c. name uses the placement nearest the transcript's 3' end. VCF-style (leftmost placement, unchanged base first): chr15-44567558-ATG-A. GRCh37 (hg19) VCF-style: chr15-44859756-ATG-A.
Other names: c.6279_6280del, p.Ile2094fs (NM_001160227.2); c.6474_6475del, p.Ile2159fs (NM_001411132.1); short protein forms I2094fs, I2159fs, I2207fs.
Identifiers: ClinVar variation 4857042 (VCV004857042.1).

ClinVar aggregate classification (germline): Pathogenic (1 of 4 stars; one submission).

Conditions:
Hereditary spastic paraplegia 11. Also called: SPASTIC PARAPLEGIA, AUTOSOMAL RECESSIVE, COMPLICATED, WITH THIN CORPUS CALLOSUM; SPASTIC PARAPLEGIA, AUTOSOMAL RECESSIVE, WITH MENTAL IMPAIRMENT AND THIN CORPUS CALLOSUM; Spastic Paraplegia 11; Nakamura Osame syndrome; Autosomal recessive hereditary spastic paraplegia, mental impairment, and thin corpus callosum; Spastic paraplegia, mental retardation and thin corpus callosum. Identifiers: Orphanet 2822, MedGen C1858479, MONDO:0011445, OMIM 604360.

Submission:

Genetics Research Center, University of Social Welfare and Rehabilitation Sciences
Classification: Pathogenic for Hereditary spastic paraplegia 11. Review status: criteria provided, single submitter. Criteria: ACMG Guidelines, 2015. Collection method: clinical testing. Allele origin: germline. Inheritance: Autosomal recessive inheritance. Affected: yes. Observed: 1 variant allele, 1 compound heterozygote.
Comment: ​The c.6618_6619delCA​(p.Ile2207GlnfsTer9) variant causes a frameshift change. The variant was absent in control chromosomes in GnomAD project. It co-segregated with disease within the family and was found in trans with the recurrent pathogenic variant, c.3075dup. Overall, it meets PVS1, PM2, and PP1 ACMG criteria.

Literature cited by the submitters: PubMed 42120987.